The following is an entry in ClinVar:

ClinVar aggregate classification (germline): Uncertain significance (1 of 4 stars; one submission).

gnomAD v4.1: 52 of 1,612,118 alleles (0.0032%); highest among the groups gnomAD compares: Middle Eastern, 0.099%; no homozygotes.

Submission:

Labcorp Genetics (formerly Invitae), Labcorp
Classification: Uncertain significance. Last evaluated: 2024-09-03. Review status: criteria provided, single submitter. Criteria: Invitae Variant Classification Sherloc (09022015). Collection method: clinical testing. Allele origin: germline.
Comment: This sequence change replaces arginine, which is basic and polar, with histidine, which is basic and polar, at codon 486 of the MATN3 protein (p.Arg486His). This variant is present in population databases (rs745976322, gnomAD 0.008%). This variant has not been reported in the literature in individuals affected with MATN3-related conditions. An algorithm developed to predict the effect of missense changes on protein structure and function outputs the following: PolyPhen-2: "Probably Damaging". The histidine amino acid residue is found in multiple mammalian species, which suggests that this missense change does not adversely affect protein function. In summary, the available evidence is currently insufficient to determine the role of this variant in disease. Therefore, it has been classified as a Variant of Uncertain Significance.

NM_002381.5(MATN3):c.1457G>A (p.Arg486His)

Genes: WDR35-DT (WDR35 divergent transcript; plus strand), MATN3 (matrilin 3; minus strand). Cytogenetic location: 2p24.1.
Variant type: single nucleotide variant.
Coding change: c.1457G>A on transcript NM_002381.5 (MANE Select); coding-DNA position 1457, G replaced by A.
Protein change: p.Arg486His; replaces arginine 486 with histidine.
Molecular consequence: missense variant.
Genome position (GRCh38, 1-based): chr2:19,993,115, C>T on the plus strand (G>A on the coding strand, the complement: MATN3 is on the minus strand). VCF-style: chr2-19993115-C-T. GRCh37 (hg19) VCF-style: chr2-20192876-C-T.
Other names: short protein forms R486H.
Identifiers: ClinVar variation 3715275 (VCV003715275.2).
Genomic context (GRCh38, chr2:19,993,115, plus strand): 5'-CATGAGTATTAAGTACACCAAGCTGTCCACATTTTCAGGTGAGAAATTGGAGCAATTTAA[C>T]GATGTATTTGTCCATATTCATTTATTTTCAACTTCTCCAAAATGTCATCAAGTGGCAAGT-3'
Protein context (NP_002372.1, residues 476-486): LKINEYGQIH[Arg486His]